The following is an entry in ClinVar:

ClinVar aggregate classification (germline): Uncertain significance (1 of 4 stars; one submission).

Submission:

Labcorp Genetics (formerly Invitae), Labcorp
Classification: Uncertain significance. Last evaluated: 2022-03-14. Review status: criteria provided, single submitter. Criteria: Invitae Variant Classification Sherloc (09022015). Collection method: clinical testing. Allele origin: germline.
Comment: Algorithms developed to predict the effect of missense changes on protein structure and function are either unavailable or do not agree on the potential impact of this missense change (SIFT: "Deleterious"; PolyPhen-2: "Probably Damaging"; Align-GVGD: "Class C0"). This variant has not been reported in the literature in individuals affected with KIAA1549-related conditions. This variant is not present in population databases (gnomAD no frequency). In summary, the available evidence is currently insufficient to determine the role of this variant in disease. Therefore, it has been classified as a Variant of Uncertain Significance. This sequence change replaces proline, which is neutral and non-polar, with leucine, which is neutral and non-polar, at codon 1283 of the KIAA1549 protein (p.Pro1283Leu).

NM_001164665.2(KIAA1549):c.3848C>T (p.Pro1283Leu)

Gene: KIAA1549 (KIAA1549; minus strand). Cytogenetic location: 7q34.
Variant type: single nucleotide variant.
Coding change: c.3848C>T on transcript NM_001164665.2 (MANE Select); coding-DNA position 3848, C replaced by T.
Protein change: p.Pro1283Leu; replaces proline 1283 with leucine.
Molecular consequence: missense variant.
Genome position (GRCh38, 1-based): chr7:138,894,526, G>A on the plus strand (C>T on the coding strand, the complement: KIAA1549 is on the minus strand). VCF-style: chr7-138894526-G-A. GRCh37 (hg19) VCF-style: chr7-138579272-G-A.
Other names: c.3848C>T, p.Pro1283Leu (NM_020910.3); short protein forms P1283L.
Identifiers: ClinVar variation 2104834 (VCV002104834.4), dbSNP rs2485519244, ClinGen allele CA369380625.